The following is an entry in ClinVar:

NM_000426.4(LAMA2):c.3815C>T (p.Pro1272Leu)

Gene: LAMA2 (laminin subunit alpha 2; plus strand). Cytogenetic location: 6q22.33.
Variant type: single nucleotide variant.
Coding change: c.3815C>T on transcript NM_000426.4 (MANE Select); coding-DNA position 3815, C replaced by T.
Protein change: p.Pro1272Leu; replaces proline 1272 with leucine.
Molecular consequence: missense variant.
Genome position (GRCh38, 1-based): chr6:129,315,841, C>T. VCF-style: chr6-129315841-C-T. GRCh37 (hg19) VCF-style: chr6-129636986-C-T.
Other names: c.3815C>T, p.Pro1272Leu (NM_001079823.2); short protein forms P1272L.
Identifiers: ClinVar variation 1916595 (VCV001916595.8), dbSNP rs1248093546, ClinGen allele CA365613340.

ClinVar aggregate classification (germline): Uncertain significance. Review status: criteria provided, multiple submitters, no conflicts (2 of 4 stars). 2 submissions from 2 submitters: Uncertain significance (2). Last evaluated 2022-01-27.

Conditions:
LAMA2-related muscular dystrophy (LAMA2-RD). Also called: Laminin alpha 2-related dystrophy. Identifiers: MedGen C5679788, MONDO:0100228.

Allele frequency attached by ClinVar (database versions not stated): gnomAD exomes below 0.00001.
gnomAD v4.1: 2 of 1,613,942 alleles (0.00012%); highest among the groups gnomAD compares: Non-Finnish European, 0.00017%; no homozygotes.

Submissions (2):

Labcorp Genetics (formerly Invitae), Labcorp
Classification: Uncertain significance for LAMA2-related muscular dystrophy. Last evaluated: 2022-01-27. Review status: criteria provided, single submitter. Criteria: Invitae Variant Classification Sherloc (09022015). Collection method: clinical testing. Allele origin: germline.
Comment: This sequence change replaces proline, which is neutral and non-polar, with leucine, which is neutral and non-polar, at codon 1272 of the LAMA2 protein (p.Pro1272Leu). This variant is present in population databases (no rsID available, gnomAD 0.0009%). This variant has not been reported in the literature in individuals affected with LAMA2-related conditions. Algorithms developed to predict the effect of missense changes on protein structure and function are either unavailable or do not agree on the potential impact of this missense change (SIFT: "Deleterious"; PolyPhen-2: "Probably Damaging"; Align-GVGD: "Class C0"). In summary, the available evidence is currently insufficient to determine the role of this variant in disease. Therefore, it has been classified as a Variant of Uncertain Significance.

Revvity Omics, Revvity
Classification: Uncertain significance. Last evaluated: 2019-05-16. Review status: criteria provided, single submitter. Criteria: ACMG Guidelines, 2015. Collection method: clinical testing. Allele origin: germline.